The following is an entry in ClinVar:

NM_000291.4(PGK1):c.1216A>G (p.Lys406Glu)

Gene: PGK1 (phosphoglycerate kinase 1; plus strand). Cytogenetic location: Xq21.1.
Variant type: single nucleotide variant.
Coding change: c.1216A>G on transcript NM_000291.4 (MANE Select); coding-DNA position 1216, A replaced by G.
Protein change: p.Lys406Glu; replaces lysine 406 with glutamic acid.
Molecular consequence: missense variant.
Genome position (GRCh38, 1-based): chrX:78,125,792, A>G. VCF-style: chrX-78125792-A-G. GRCh37 (hg19) VCF-style: chrX-77381289-A-G.
Other names: short protein forms K406E.
Identifiers: ClinVar variation 4082957 (VCV004082957.1).

ClinVar aggregate classification (germline): Uncertain significance (1 of 4 stars; one submission).

gnomAD v4.1: 3 of 1,200,699 alleles (0.00025%); highest among the groups gnomAD compares: East Asian, 0.003%; no homozygotes.

Submission:

GeneDx
Classification: Uncertain significance. Last evaluated: 2025-03-03. Review status: criteria provided, single submitter. Criteria: GeneDx Variant Classification Process June 2021. Collection method: clinical testing. Allele origin: germline. Affected: yes.
Comment: Not observed at significant frequency in large population cohorts (gnomAD); In silico analysis supports that this missense variant has a deleterious effect on protein structure/function; Has not been previously published as pathogenic or benign to our knowledge